The following is an entry in ClinVar:

ClinVar aggregate classification (germline): Likely benign (1 of 4 stars; one submission).

Allele frequency attached by ClinVar (database versions not stated): 1000 Genomes Project 0.00160; 1000 Genomes Project 30x 0.00203; ExAC 0.00220; gnomAD 0.00226; TOPMed 0.00283; ESP Exome Variant Server 0.00338; gnomAD exomes 0.00372.

Submission:

CeGaT Center for Human Genetics Tuebingen
Classification: Likely benign. Last evaluated: 2022-08-01. Review status: criteria provided, single submitter. Criteria: CeGaT Center For Human Genetics Tuebingen Variant Classification Criteria Version 2. Collection method: clinical testing. Allele origin: germline. Affected: yes. Observed: 1 variant allele.
Comment: RETREG2: BP4, BP7

NM_024293.6(RETREG2):c.1111C>T (p.Leu371=)

Gene: RETREG2 (reticulophagy regulator family member 2; plus strand). Cytogenetic location: 2q35.
Variant type: single nucleotide variant.
Coding change: c.1111C>T on transcript NM_024293.6 (MANE Select); coding-DNA position 1111, C replaced by T.
Protein change: p.Leu371=; no amino-acid change (leucine 371 retained).
Molecular consequence: synonymous variant.
Genome position (GRCh38, 1-based): chr2:219,182,108, C>T. VCF-style: chr2-219182108-C-T. GRCh37 (hg19) VCF-style: chr2-220046830-C-T.
Other names: c.490C>T, p.Leu164= (NM_001321109.2, NM_001321110.2).
Identifiers: ClinVar variation 2651912 (VCV002651912.24), dbSNP rs4674362, ClinGen allele CA2118336.